The following is an entry in ClinVar:

NM_000059.4(BRCA2):c.3916G>C (p.Val1306Leu)

Gene: BRCA2 (BRCA2 DNA repair associated; plus strand). Cytogenetic location: 13q13.1.
Variant type: single nucleotide variant.
Coding change: c.3916G>C on transcript NM_000059.4 (MANE Select); coding-DNA position 3916, G replaced by C.
Protein change: p.Val1306Leu; replaces valine 1306 with leucine.
Molecular consequence: missense variant. On other transcripts: non-coding transcript variant (1), intron variant (2).
Genome position (GRCh38, 1-based): chr13:32,338,271, G>C. VCF-style: chr13-32338271-G-C. GRCh37 (hg19) VCF-style: chr13-32912408-G-C.
Other names: c.3916G>C, p.Val1306Leu (NM_001406719.1, NM_001406720.1, NM_001432077.1); c.1909+4884G>C (NM_001406721.1); c.425-6287G>C (NM_001406722.1); short protein forms V1306L.
Identifiers: ClinVar variation 4856493 (VCV004856493.1).

ClinVar aggregate classification (germline): Likely benign (1 of 4 stars; one submission).

Conditions:
Breast-ovarian cancer, familial, susceptibility to, 2 (BROVCA2). Also called: BRCA2 Hereditary Breast and Ovarian Cancer. Identifiers: Orphanet 145, MedGen C2675520, MONDO:0012933, OMIM 612555. Disease mechanism: loss of function.

gnomAD v4.1: 1 of 1,565,630 alleles (0.000064%); highest among the groups gnomAD compares: Non-Finnish European, 0.000086%; no homozygotes.

Submission:

Cancer Bioinformatics and Tumour Evolution Laboratory, Monash University
Classification: Likely benign for Breast-ovarian cancer, familial, susceptibility to, 2. Last evaluated: 2026-05-01. Review status: criteria provided, single submitter. Criteria: ClinGen BRCA1 and BRCA2 Guidelines, 2024. Collection method: curation. Allele origin: germline. Inheritance: Autosomal dominant inheritance.
Comment: PMID: 39281752 - A large scale study to determine the case-control LR of BRCA1 and BRCA2 variants. The data was consolidated in the ccLR browser. This variant was found in the browser with a LR of 0.356175337 which is in the benign supporting range (o.23-0.48) according to the BRCA1 and BRCA2 VCEP. Hence, BP5 is applied. Missense variant outside of a functional domain with no splice impact. BRCA1 and BRCA2 VCEP guidelines recommend application of BP1_Strong (PMID: 39142283)

Literature cited by the submitters: PubMed 39281752.